The following is an entry in ClinVar:

NM_003325.4(HIRA):c.1741G>A (p.Ala581Thr)

Gene: HIRA (histone cell cycle regulator; minus strand). Cytogenetic location: 22q11.21.
Variant type: single nucleotide variant.
Coding change: c.1741G>A on transcript NM_003325.4 (MANE Select); coding-DNA position 1741, G replaced by A.
Protein change: p.Ala581Thr; replaces alanine 581 with threonine.
Molecular consequence: missense variant.
Genome position (GRCh38, 1-based): chr22:19,375,665, C>T on the plus strand (G>A on the coding strand, the complement: HIRA is on the minus strand). VCF-style: chr22-19375665-C-T. GRCh37 (hg19) VCF-style: chr22-19363188-C-T.
Other names: short protein forms A581T.
Identifiers: ClinVar variation 3053062 (VCV003053062.2), dbSNP rs116694036, ClinGen allele CA10099607.
Genomic context (GRCh38, chr22:19,375,665, plus strand): 5'-TTCAGGGTCCTGCAGCTACCACCTACCTTTCCACAGCTGTCGGAGTCATGCTGGTCAGGG[C>T]AGGAGCACCTGGTGTGGCTTTGGACCGCTCTGTGAACCGGGAGTCAAACGCTTTCATGGG-3'
Protein context (NP_003316.3, residues 571-591): ERSKATPGAP[Ala581Thr]LTSMTPTAVE

ClinVar aggregate classification (germline): Likely benign (0 of 4 stars; one submission).

Conditions:
HIRA-related disorder.

Allele frequency attached by ClinVar (database versions not stated): gnomAD 0.00017; TOPMed 0.00027; ExAC 0.00044; 1000 Genomes Project 30x 0.00109; 1000 Genomes Project 0.00120.
gnomAD v4.1: 192 of 1,614,226 alleles (0.012%); highest among the groups gnomAD compares: East Asian, 0.39%; no homozygotes.

Submission:

PreventionGenetics, part of Exact Sciences
Classification: Likely benign for HIRA-related condition. Last evaluated: 2019-08-20. Review status: no assertion criteria provided. Collection method: clinical testing. Allele origin: germline.
Comment: This variant is classified as likely benign based on ACMG/AMP sequence variant interpretation guidelines (Richards et al. 2015 PMID: 25741868, with internal and published modifications).